The following is an entry in ClinVar:

NM_015631.6(TCTN3):c.606dup (p.Ser203fs)

Gene: TCTN3 (tectonic family member 3; minus strand). Cytogenetic location: 10q24.1.
Variant type: Duplication.
Coding change: c.606dup on transcript NM_015631.6 (MANE Select); coding-DNA position 606, one base duplicated (A; older notation c.606dupA).
Protein change: p.Ser203fs; shifts the reading frame from serine 203.
Molecular consequence: frameshift variant. On other transcripts: intron variant (1).
Genome position (GRCh38, 1-based): chr10:95,687,613, T duplicated on the plus strand (A on the coding strand, the reverse complement: TCTN3 is on the minus strand); the first of 2 consecutive T bases (chr10:95,687,613-95,687,614); duplicating either gives the same sequence. VCF-style (leftmost placement, unchanged base first): chr10-95687612-A-AT. GRCh37 (hg19) VCF-style: chr10-97447369-A-AT.
Other names: c.606dup, p.Ser203fs (NM_001410982.1); c.500-454dup (NM_001143973.2); short protein forms S203fs.
Identifiers: ClinVar variation 4788227 (VCV004788227.1).

ClinVar aggregate classification (germline): Pathogenic (1 of 4 stars; one submission).

Conditions:
Joubert syndrome 18 (JBTS18). Identifiers: Orphanet 2754, MedGen C3553758, MONDO:0013896, OMIM 614815.
Orofacial-digital syndrome IV (OFD4). Also called: BARAITSER-BURN SYNDROME; OFD SYNDROME WITH TIBIAL DEFECTS; OFD SYNDROME, BARAITSER-BURN TYPE; OFDS IV; ORAL-FACIAL-DIGITAL SYNDROME, TYPE IV; MOHR-MAJEWSKI SYNDROME. Identifiers: Orphanet 2753, MedGen C0406727, MONDO:0009794, OMIM 258860.

Submission:

Labcorp Genetics (formerly Invitae), Labcorp
Classification: Pathogenic for Joubert syndrome 18; Orofacial-digital syndrome IV. Last evaluated: 2025-09-09. Review status: criteria provided, single submitter. Criteria: Invitae Variant Classification Sherloc (09022015). Collection method: clinical testing. Allele origin: germline.
Comment: This sequence change creates a premature translational stop signal (p.Ser203Ilefs*39) in the TCTN3 gene. It is expected to result in an absent or disrupted protein product. Loss-of-function variants in TCTN3 are known to be pathogenic (PMID: 2692869, 22883145, 25118024). This variant is present in population databases (no rsID available, gnomAD 0.003%). This variant has not been reported in the literature in individuals affected with TCTN3-related conditions. For these reasons, this variant has been classified as Pathogenic.

Literature cited by the submitters: PubMed 2692869; PubMed 22883145; PubMed 25118024.